The following is an entry in ClinVar:

ClinVar aggregate classification (germline): Uncertain significance (1 of 4 stars; one submission).

Submission:

GeneDx
Classification: Uncertain significance. Last evaluated: 2016-12-19. Review status: criteria provided, single submitter. Criteria: GeneDx Variant Classification (06012015). Collection method: clinical testing. Allele origin: germline. Affected: yes.
Comment: The M674T variant in the CACNA1A gene has not been reported previously as a pathogenic variant,nor as a benign variant, to our knowledge. The M674T variant was not observed in approximately6200 individuals of European and African American ancestry in the NHLBI Exome SequencingProject, indicating it is not a common benign variant in these populations. The M674T variant is anon-conservative amino acid substitution, which is likely to impact secondary protein structure asthese residues differ in polarity, charge, size and/or other properties. This substitution occurs at aposition that is conserved across species and in silico analysis predicts this variant is probablydamaging to the protein structure/function. We interpret M674T as a variant of uncertainsignificance.

NM_001127222.2(CACNA1A):c.2018T>C (p.Met673Thr)

Gene: CACNA1A (calcium voltage-gated channel subunit alpha1 A; minus strand). Cytogenetic location: 19p13.13.
Variant type: single nucleotide variant.
Coding change: c.2018T>C on transcript NM_001127222.2 (MANE Select); coding-DNA position 2018, T replaced by C.
Protein change: p.Met673Thr; replaces methionine 673 with threonine.
Molecular consequence: missense variant.
Genome position (GRCh38, 1-based): chr19:13,303,853, A>G on the plus strand (T>C on the coding strand, the complement: CACNA1A is on the minus strand). VCF-style: chr19-13303853-A-G. GRCh37 (hg19) VCF-style: chr19-13414667-A-G.
Other names: c.2021T>C, p.Met674Thr (NM_000068.4, NM_001127221.2, NM_001174080.2 and 1 more transcripts); short protein forms M674T, M673T.
Identifiers: ClinVar variation 422842 (VCV000422842.2), dbSNP rs1064796036, ClinGen allele CA16620795.
Genomic context (GRCh38, chr19:13,303,853, plus strand): 5'-AAATAGATGGAGAACACCATGCCGCCCTGCACGCCCCCCTGAGACTTGATCCCGTCGTAC[A>G]TGACCTCGTTCCAGTCTTCGCCCGTCAGGATCTGAAAGGGGAGGAAGAAACACACAGCCA-3'
Protein context (NP_001120694.1, residues 663-683): ILTGEDWNEV[Met673Thr]YDGIKSQGGV